The following is an entry in ClinVar:

NM_002197.3(ACO1):c.276C>T (p.Pro92=)

Gene: ACO1 (aconitase 1; plus strand). Cytogenetic location: 9p21.1.
Variant type: single nucleotide variant.
Coding change: c.276C>T on transcript NM_002197.3 (MANE Select); coding-DNA position 276, C replaced by T.
Protein change: p.Pro92=; no amino-acid change (proline 92 retained).
Molecular consequence: synonymous variant.
Genome position (GRCh38, 1-based): chr9:32,408,523, C>T. VCF-style: chr9-32408523-C-T. GRCh37 (hg19) VCF-style: chr9-32408521-C-T.
Other names: p.Pro92=; c.276C>T, p.Pro92= (NM_001278352.2, NM_001362840.2).
Identifiers: ClinVar variation 4683378 (VCV004683378.1).
Genomic context (GRCh38, chr9:32,408,523, plus strand): 5'-GTTACACACATTTAAGGCTTATTTTCTGCATTATTCTCTTTCTTCTCTTAGGGGTGTGCC[C>T]GCTGTGGTTGACTTTGCTGCAATGCGTGATGCTGTGAAAAAGTTAGGAGGAGATCCAGAG-3'
Protein context (NP_002188.1, residues 82-102): RVILQDFTGV[Pro92=]AVVDFAAMRD

ClinVar aggregate classification (germline): Likely benign (1 of 4 stars; one submission).

gnomAD v4.1: 645 of 1,614,006 alleles (0.04%); highest among the groups gnomAD compares: South Asian, 0.6%; 11 homozygotes.

Submission:

Mayo Clinic Laboratories, Mayo Clinic
Classification: Likely benign. Last evaluated: 2025-02-19. Review status: criteria provided, single submitter. Criteria: ACMG Guidelines, 2015. Collection method: clinical testing. Allele origin: germline. Observed: 1 variant allele.
Comment: BP4, BP7